The following is an entry in ClinVar:

ClinVar aggregate classification (germline): Uncertain significance (1 of 4 stars; one submission).

Allele frequency attached by ClinVar (database versions not stated): gnomAD exomes below 0.00001.

Submission:

CeGaT Center for Human Genetics Tuebingen
Classification: Uncertain significance. Last evaluated: 2023-07-01. Review status: criteria provided, single submitter. Criteria: CeGaT Center For Human Genetics Tuebingen Variant Classification Criteria Version 2. Collection method: clinical testing. Allele origin: germline. Affected: yes. Observed: 1 variant allele.
Comment: TCF3: PM2, BP4

NM_003200.5(TCF3):c.268T>C (p.Ser90Pro)

Gene: TCF3 (transcription factor 3; minus strand). Cytogenetic location: 19p13.3.
Variant type: single nucleotide variant.
Coding change: c.268T>C on transcript NM_003200.5 (MANE Select); coding-DNA position 268, T replaced by C.
Protein change: p.Ser90Pro; replaces serine 90 with proline.
Molecular consequence: missense variant.
Genome position (GRCh38, 1-based): chr19:1,632,068, A>G on the plus strand (T>C on the coding strand, the complement: TCF3 is on the minus strand). VCF-style: chr19-1632068-A-G. GRCh37 (hg19) VCF-style: chr19-1632067-A-G.
Other names: c.268T>C, p.Ser90Pro (NM_001136139.4, NM_001351778.2, NM_001351779.2); short protein forms S90P.
Identifiers: ClinVar variation 2648944 (VCV002648944.24), dbSNP rs981514090, ClinGen allele CA304102553.
Genomic context (GRCh38, chr19:1,632,068, plus strand): 5'-CAGAGGGACCGCACCAGGCCAGGCACTCACCTCCGAGTCCCGGTCCCAGGAATGTGGATG[A>G]AGAGAGGCTGCTGTGCGACTCAGTGAAGTGGGTGCCCTCGCTGAAGGTCTAGGGGAGATG-3'
Protein context (NP_003191.1, residues 80-100): HFTESHSSLS[Ser90Pro]STFLGPGLGG